The following is an entry in ClinVar:

NM_018075.5(ANO10):c.1088_1093delinsTCCTT (p.Ser363fs)

Gene: ANO10 (anoctamin 10; minus strand). Cytogenetic location: 3p22.1.
Variant type: Indel.
Coding change: c.1088_1093delinsTCCTT on transcript NM_018075.5 (MANE Select); coding-DNA positions 1088 to 1093, GCATCA replaced by TCCTT.
Protein change: p.Ser363fs; shifts the reading frame from serine 363.
Molecular consequence: frameshift variant. On other transcripts: intron variant (1).
Genome position (GRCh38, 1-based): chr3:43,576,761-43,576,766, TGATGC replaced by AAGGA on the plus strand (GCATCA replaced by TCCTT on the coding strand, the reverse complement: ANO10 is on the minus strand). VCF-style: chr3-43576761-TGATGC-AAGGA. GRCh37 (hg19) VCF-style: chr3-43618253-TGATGC-AAGGA.
Other names: c.1088_1093delinsTCCTT, p.Ser363fs (NM_001204831.3, NM_001346463.2, NM_001346464.2 and 3 more transcripts); c.890_895delinsTCCTT, p.Ser297fs (NM_001204832.3, NM_001346466.2, NM_001346469.2); c.755_760delinsTCCTT, p.Ser252fs (NM_001204833.3); c.593-1902_593-1897delinsTCCTT (NM_001204834.3); short protein forms S363fs, S252fs, S297fs.
Identifiers: ClinVar variation 4764623 (VCV004764623.1).
Genomic context (GRCh38, chr3:43,576,761, plus strand): 5'-TTAAAAACTCGGCAGCATATCGATAGAGACGATTCATGATCTCAATCACAATGGCATAGA[TGATGC>AAGGA]TGGGCACATACAACAGGACACTGGTCCACTCAGACCCGCTGTTCTCATGTAGACCCAAGG-3'

ClinVar aggregate classification (germline): Pathogenic (1 of 4 stars; one submission).

Submission:

Labcorp Genetics (formerly Invitae), Labcorp
Classification: Pathogenic. Last evaluated: 2025-12-09. Review status: criteria provided, single submitter. Criteria: Invitae Variant Classification Sherloc (09022015). Collection method: clinical testing. Allele origin: germline.
Comment: This sequence change creates a premature translational stop signal (p.Ser363Ilefs*7) in the ANO10 gene. It is expected to result in an absent or disrupted protein product. Loss-of-function variants in ANO10 are known to be pathogenic (PMID: 25089919). Information on the frequency of this variant in the gnomAD database is not available, as this variant may be reported differently in the database. This variant has not been reported in the literature in individuals affected with ANO10-related conditions. Algorithms developed to predict the effect of sequence changes on RNA splicing suggest that this variant may disrupt the consensus splice site. For these reasons, this variant has been classified as Pathogenic.

Literature cited by the submitters: PubMed 25089919.